The following is an entry in ClinVar:

ClinVar aggregate classification (germline): Pathogenic (1 of 4 stars; one submission).

Conditions:
Ataxia-telangiectasia syndrome (AT). Also called: LOUIS-BAR SYNDROME; Cerebello-oculocutaneous telangiectasia; Immunodeficiency with ataxia telangiectasia; Ataxia-telangiectasia, complementation group D; AT, COMPLEMENTATION GROUP C; ATAXIA-TELANGIECTASIA, COMPLEMENTATION GROUP A. Identifiers: Orphanet 100, MedGen C0004135, MONDO:0008840, OMIM 208900.

Submission:

3billion
Classification: Pathogenic for Ataxia-telangiectasia syndrome. Last evaluated: 2025-12-14. Review status: criteria provided, single submitter. Criteria: ACMG Guidelines, 2015. Collection method: clinical testing. Allele origin: germline. Affected: yes.
Comment: The variant is not observed in the gnomAD v4.1.0 dataset. Predicted Consequence/Location: Frameshift: predicted to result in a loss or disruption of normal protein function through nonsense-mediated decay (NMD) or protein truncation. Multiple pathogenic variants are reported downstream of the variant. The variant has been reported to be associated with ATM-related disorder (PMID: 32095276). Therefore, this variant is classified as Pathogenic according to the recommendation of ACMG/AMP guideline.

Literature cited by the submitters: PubMed 32095276.

NM_000051.4(ATM):c.6259del (p.Glu2087fs)

Genes: ATM (ATM serine/threonine kinase; plus strand), C11orf65 (chromosome 11 open reading frame 65; minus strand). Cytogenetic location: 11q22.3.
Variant type: Deletion.
Coding change: c.6259del on transcript NM_000051.4 (MANE Select); coding-DNA position 6259, one base deleted (G; older notation c.6259delG).
Protein change: p.Glu2087fs; shifts the reading frame from glutamic acid 2087.
Molecular consequence: frameshift variant. On other transcripts: intron variant (2).
Genome position (GRCh38, 1-based): chr11:108,317,433, G deleted. VCF-style (leftmost placement, unchanged base first): chr11-108317432-TG-T. GRCh37 (hg19) VCF-style: chr11-108188159-TG-T.
Other names: c.6259del, p.Glu2087fs (NM_001351834.2); c.641-8362del (NM_001330368.2); c.*39-8362del (NM_001351110.2); short protein forms E2087fs.
Identifiers: ClinVar variation 4854209 (VCV004854209.1).